The following is an entry in ClinVar:

NM_014915.3(ANKRD26):c.607G>C (p.Ala203Pro)

Gene: ANKRD26 (ankyrin repeat domain 26; minus strand). Cytogenetic location: 10p12.1.
Variant type: single nucleotide variant.
Coding change: c.607G>C on transcript NM_014915.3 (MANE Select); coding-DNA position 607, G replaced by C.
Protein change: p.Ala203Pro; replaces alanine 203 with proline.
Molecular consequence: missense variant.
Genome position (GRCh38, 1-based): chr10:27,092,437, C>G on the plus strand (G>C on the coding strand, the complement: ANKRD26 is on the minus strand). VCF-style: chr10-27092437-C-G. GRCh37 (hg19) VCF-style: chr10-27381366-C-G.
Other names: c.607G>C, p.Ala203Pro (NM_001256053.2); short protein forms A203P.
Identifiers: ClinVar variation 4858999 (VCV004858999.1).

ClinVar aggregate classification (germline): Uncertain significance (1 of 4 stars; one submission).

Conditions:
Inborn genetic diseases. Identifiers: MedGen C0950123, MeSH D030342.

Submission:

Ambry Genetics
Classification: Uncertain significance for Inborn genetic diseases. Last evaluated: 2026-03-15. Review status: criteria provided, single submitter. Criteria: Ambry Variant Classification Scheme 2023. Collection method: clinical testing. Allele origin: germline.
Comment: The p.A203P variant (also known as c.607G>C), located in coding exon 4 of the ANKRD26 gene, results from a G to C substitution at nucleotide position 607. The alanine at codon 203 is replaced by proline, an amino acid with highly similar properties. This amino acid position is conserved. In addition, the in silico prediction for this alteration is inconclusive. Based on the available evidence, the clinical significance of this variant remains unclear.